The following is an entry in ClinVar:

ClinVar aggregate classification (germline): Uncertain significance (1 of 4 stars; one submission).

gnomAD v4.1: 2 of 1,612,728 alleles (0.00012%); highest among the groups gnomAD compares: South Asian, 0.0011%; no homozygotes.

Submission:

Ambry Genetics
Classification: Uncertain significance. Last evaluated: 2026-09-06. Review status: criteria provided, single submitter. Criteria: Ambry Variant Classification Scheme 2023. Collection method: clinical testing. Allele origin: germline.
Comment: The p.K1030I variant (also known as c.3089A>T), located in coding exon 19 of the MYOM1 gene, results from an A to T substitution at nucleotide position 3089. The lysine at codon 1030 is replaced by isoleucine, an amino acid with dissimilar properties. This amino acid position is conserved. In addition, this alteration is predicted to be tolerated by in silico analysis. Based on the available evidence, the clinical significance of this variant remains unclear.

NM_003803.4(MYOM1):c.3089A>T (p.Lys1030Ile)

Gene: MYOM1 (myomesin 1; minus strand). Cytogenetic location: 18p11.31.
Variant type: single nucleotide variant.
Coding change: c.3089A>T on transcript NM_003803.4 (MANE Select); coding-DNA position 3089, A replaced by T.
Protein change: p.Lys1030Ile; replaces lysine 1030 with isoleucine.
Molecular consequence: missense variant.
Genome position (GRCh38, 1-based): chr18:3,119,898, T>A on the plus strand (A>T on the coding strand, the complement: MYOM1 is on the minus strand). VCF-style: chr18-3119898-T-A. GRCh37 (hg19) VCF-style: chr18-3119896-T-A.
Other names: c.2801A>T, p.Lys934Ile (NM_019856.2); short protein forms K1030I, K934I.
Identifiers: ClinVar variation 5025288 (VCV005025288.1).